The following is an entry in ClinVar:

ClinVar aggregate classification (germline): Benign/Likely benign. Review status: criteria provided, multiple submitters, no conflicts (2 of 4 stars). 3 submissions from 3 submitters: Benign (1); Likely benign (2). Last evaluated 2025-09-07.

Conditions:
Birt-Hogg-Dube syndrome 1 (BHD1). Also called: FIBROFOLLICULOMAS WITH TRICHODISCOMAS AND ACROCHORDONS. Identifiers: Orphanet 122, MedGen CN375946, MONDO:0800445, OMIM 135150.
Hereditary cancer-predisposing syndrome. Also called: Tumor predisposition; Hereditary neoplastic syndrome; Neoplastic Syndromes, Hereditary; Hereditary Cancer Syndrome. Identifiers: Orphanet 140162, MedGen C0027672, MeSH D009386, MONDO:0015356.
Birt-Hogg-Dube syndrome. Also called: Birt Hogg Dubé syndrome. Identifiers: Orphanet 122, MedGen C0346010, MONDO:0800444.

Allele frequency attached by ClinVar (database versions not stated): gnomAD exomes below 0.00001; TOPMed below 0.00001; ExAC 0.00001.
gnomAD v4.1: 1 of 1,613,730 alleles (0.000062%); highest among the groups gnomAD compares: Non-Finnish European, 0.000085%; no homozygotes.

Submissions (3):

Labcorp Genetics (formerly Invitae), Labcorp
Classification: Likely benign for Birt-Hogg-Dube syndrome. Last evaluated: 2025-09-07. Review status: criteria provided, single submitter. Criteria: Invitae Variant Classification Sherloc (09022015). Collection method: clinical testing. Allele origin: germline.

Myriad Genetics, Inc.
Classification: Benign for Birt-Hogg-Dube syndrome 1. Last evaluated: 2024-10-22. Review status: criteria provided, single submitter. Criteria: Myriad Autosomal Dominant, Autosomal Recessive and X-Linked Classification Criteria (2023). Collection method: clinical testing. Allele origin: unknown.
Comment: This variant is considered benign. This variant is a silent/synonymous amino acid change and it is not expected to impact splicing.

Ambry Genetics
Classification: Likely benign for Hereditary cancer-predisposing syndrome. Last evaluated: 2021-05-06. Review status: criteria provided, single submitter. Criteria: Ambry Variant Classification Scheme 2023. Collection method: clinical testing. Allele origin: germline.

NM_144997.7(FLCN):c.90T>C (p.Pro30=)

Gene: FLCN (folliculin; minus strand). Cytogenetic location: 17p11.2.
Variant type: single nucleotide variant.
Coding change: c.90T>C on transcript NM_144997.7 (MANE Select); coding-DNA position 90, T replaced by C.
Protein change: p.Pro30=; no amino-acid change (proline 30 retained).
Molecular consequence: synonymous variant.
Genome position (GRCh38, 1-based): chr17:17,228,048, A>G on the plus strand (T>C on the coding strand, the complement: FLCN is on the minus strand). VCF-style: chr17-17228048-A-G. GRCh37 (hg19) VCF-style: chr17-17131362-A-G.
Other names: c.90T>C, p.Pro30= (NM_001353229.2, NM_001353230.2, NM_001353231.2 and 1 more transcripts).
Identifiers: ClinVar variation 705041 (VCV000705041.10), dbSNP rs766122649, ClinGen allele CA8416518.